The following is an entry in ClinVar:

ClinVar aggregate classification (germline): Conflicting classifications of pathogenicity. Review status: criteria provided, conflicting classifications (1 of 4 stars). 3 submissions from 3 submitters: Uncertain significance (2); Likely benign (1). Last evaluated 2025-08-11.

Conditions:
Hereditary cancer-predisposing syndrome. Also called: Tumor predisposition; Hereditary neoplastic syndrome; Hereditary Cancer Syndrome; Neoplastic Syndromes, Hereditary. Identifiers: Orphanet 140162, MedGen C0027672, MeSH D009386, MONDO:0015356.
Neuroblastoma, susceptibility to, 3. Also called: ALK-Related Neuroblastic Tumor Susceptibility. Identifiers: Orphanet 635, MedGen C2751681, MONDO:0013083, OMIM 613014.

Allele frequency attached by ClinVar (database versions not stated): gnomAD exomes below 0.00001.
gnomAD v4.1: 1 of 1,614,200 alleles (0.000062%); highest among the groups gnomAD compares: Non-Finnish European, 0.000085%; no homozygotes.

Submissions (3):

Labcorp Genetics (formerly Invitae), Labcorp
Classification: Uncertain significance for Neuroblastoma, susceptibility to, 3. Last evaluated: 2025-08-11. Review status: criteria provided, single submitter. Criteria: Invitae Variant Classification Sherloc (09022015). Collection method: clinical testing. Allele origin: germline.
Comment: This sequence change replaces proline, which is neutral and non-polar, with threonine, which is neutral and polar, at codon 357 of the ALK protein (p.Pro357Thr). This variant is not present in population databases (gnomAD no frequency). This variant has not been reported in the literature in individuals affected with ALK-related conditions. ClinVar contains an entry for this variant (Variation ID: 1958688). An algorithm developed to predict the effect of missense changes on protein structure and function outputs the following: PolyPhen-2: "Benign". The threonine amino acid residue is found in multiple mammalian species, which suggests that this missense change does not adversely affect protein function. In summary, the available evidence is currently insufficient to determine the role of this variant in disease. Therefore, it has been classified as a Variant of Uncertain Significance.

Ambry Genetics
Classification: Likely benign for Hereditary cancer-predisposing syndrome. Last evaluated: 2025-07-31. Review status: criteria provided, single submitter. Criteria: Ambry Variant Classification Scheme 2023. Collection method: clinical testing. Allele origin: germline.

GeneDx
Classification: Uncertain significance. Last evaluated: 2024-02-28. Review status: criteria provided, single submitter. Criteria: GeneDx Variant Classification Process June 2021. Collection method: clinical testing. Allele origin: germline. Affected: yes.
Comment: Not observed at significant frequency in large population cohorts (gnomAD); In silico analysis supports that this missense variant does not alter protein structure/function; Has not been previously published as pathogenic or benign to our knowledge

NM_004304.5(ALK):c.1069C>A (p.Pro357Thr)

Gene: ALK (ALK receptor tyrosine kinase; minus strand). Cytogenetic location: 2p23.2.
Variant type: single nucleotide variant.
Coding change: c.1069C>A on transcript NM_004304.5 (MANE Select); coding-DNA position 1069, C replaced by A.
Protein change: p.Pro357Thr; replaces proline 357 with threonine.
Molecular consequence: missense variant.
Genome position (GRCh38, 1-based): chr2:29,532,000, G>T on the plus strand (C>A on the coding strand, the complement: ALK is on the minus strand). VCF-style: chr2-29532000-G-T. GRCh37 (hg19) VCF-style: chr2-29754866-G-T.
Other names: c.1069C>A (NM_004304.4); short protein forms P357T.
Identifiers: ClinVar variation 1958688 (VCV001958688.7), dbSNP rs2148158612, ClinGen allele CA346587341.